The following is an entry in ClinVar:

NM_000138.5(FBN1):c.5302G>T (p.Asp1768Tyr)

Gene: FBN1 (fibrillin 1; minus strand). Cytogenetic location: 15q21.1.
Variant type: single nucleotide variant.
Coding change: c.5302G>T on transcript NM_000138.5 (MANE Select); coding-DNA position 5302, G replaced by T.
Protein change: p.Asp1768Tyr; replaces aspartic acid 1768 with tyrosine.
Molecular consequence: missense variant.
Genome position (GRCh38, 1-based): chr15:48,456,757, C>A on the plus strand (G>T on the coding strand, the complement: FBN1 is on the minus strand). VCF-style: chr15-48456757-C-A. GRCh37 (hg19) VCF-style: chr15-48748954-C-A.
Other names: c.5302G>T, p.Asp1768Tyr (NM_001406716.1); short protein forms D1768Y.
Identifiers: ClinVar variation 3849176 (VCV003849176.2).
Genomic context (GRCh38, chr15:48,456,757, plus strand): 5'-TGCCAACCATGTTGATACACACTCCATTTTCACAGACCCCTGGGATCTCCCGGCACTCAT[C>A]AATATCTAGAGACAGAGTAGTCATTCATGAGTGACAGGACAGCACATGATCCCTGTGCAG-3'
Protein context (NP_000129.3, residues 1758-1778): DIYTGLPVDI[Asp1768Tyr]ECREIPGVCE

ClinVar aggregate classification (germline): Uncertain significance. Review status: criteria provided, multiple submitters, no conflicts (2 of 4 stars). 2 submissions from 2 submitters: Uncertain significance (2). Last evaluated 2025-08-24.

Conditions:
Familial thoracic aortic aneurysm and aortic dissection (TAAD). Also called: Thoracic aortic aneurysms and dissections. Identifiers: Orphanet 91387, MedGen C4707243, MONDO:0019625.

Submissions (2):

Color Diagnostics, LLC DBA Color Health
Classification: Uncertain significance for Familial thoracic aortic aneurysm and aortic dissection. Last evaluated: 2025-08-24. Review status: criteria provided, single submitter. Criteria: ACMG Guidelines, 2015. Collection method: clinical testing. Allele origin: germline.
Comment: This missense variant replaces aspartic acid with tyrosine at codon 1768 of the FBN1 protein. Computational prediction suggests that this variant may have deleterious impact on protein structure and function. To our knowledge, functional studies have not been reported for this variant. This variant has not been reported in individuals affected with FBN1-related disorders in the literature. This variant has not been identified in the general population by the Genome Aggregation Database (gnomAD). The available evidence is insufficient to determine the role of this variant in disease conclusively. Therefore, this variant is classified as a Variant of Uncertain Significance.

Ambry Genetics
Classification: Uncertain significance for Familial thoracic aortic aneurysm and aortic dissection. Last evaluated: 2025-02-07. Review status: criteria provided, single submitter. Criteria: Ambry Variant Classification Scheme 2023. Collection method: clinical testing. Allele origin: germline.
Comment: The p.D1768Y variant (also known as c.5302G>T), located in coding exon 43 of the FBN1 gene, results from a G to T substitution at nucleotide position 5302. The aspartic acid at codon 1768 is replaced by tyrosine, an amino acid with highly dissimilar properties. This variant alters a conserved residue in the calcium-binding consensus sequence of a cbEGF domain and is expected to disrupt FBN1 function (Handford PA et al. Nature. 1991; 351(6322):164-7). This amino acid position is highly conserved in available vertebrate species. In addition, this alteration is predicted to be deleterious by in silico analysis. Based on the available evidence, the clinical significance of this variant remains unclear.